The following is an entry in ClinVar:

ClinVar aggregate classification (germline): Uncertain significance (1 of 4 stars; one submission).

Submission:

Labcorp Genetics (formerly Invitae), Labcorp
Classification: Uncertain significance. Last evaluated: 2024-05-27. Review status: criteria provided, single submitter. Criteria: Invitae Variant Classification Sherloc (09022015). Collection method: clinical testing. Allele origin: germline.
Comment: This sequence change replaces serine, which is neutral and polar, with leucine, which is neutral and non-polar, at codon 31 of the ALX4 protein (p.Ser31Leu). This variant is not present in population databases (gnomAD no frequency). This variant has not been reported in the literature in individuals affected with ALX4-related conditions. An algorithm developed to predict the effect of missense changes on protein structure and function (PolyPhen-2) suggests that this variant is likely to be tolerated. In summary, the available evidence is currently insufficient to determine the role of this variant in disease. Therefore, it has been classified as a Variant of Uncertain Significance.

NM_021926.4(ALX4):c.92C>T (p.Ser31Leu)

Gene: ALX4 (ALX homeobox 4; minus strand). Cytogenetic location: 11p11.2.
Variant type: single nucleotide variant.
Coding change: c.92C>T on transcript NM_021926.4 (MANE Select); coding-DNA position 92, C replaced by T.
Protein change: p.Ser31Leu; replaces serine 31 with leucine.
Molecular consequence: missense variant.
Genome position (GRCh38, 1-based): chr11:44,309,971, G>A on the plus strand (C>T on the coding strand, the complement: ALX4 is on the minus strand). VCF-style: chr11-44309971-G-A. GRCh37 (hg19) VCF-style: chr11-44331521-G-A.
Other names: short protein forms S31L.
Identifiers: ClinVar variation 3625423 (VCV003625423.2).